The following is an entry in ClinVar:

ClinVar aggregate classification (germline): Benign. Review status: reviewed by expert panel (3 of 4 stars). 16 submissions from 15 submitters: Benign (1). 15 of the submissions do not count toward it. Last evaluated 2017-04-18.

Conditions:
Noonan syndrome and Noonan-related syndrome. Identifiers: Orphanet 98733, MedGen C5681679, MONDO:0020297.
Cardiovascular phenotype. Identifiers: MedGen CN230736.
RASopathy. Also called: Noonan spectrum disorder; rasopathies. Identifiers: Orphanet 536391, MedGen C5555857, MONDO:0021060.
LEOPARD syndrome 2 (LPRD2). Also called: RAF1-Related LEOPARD Syndrome. Identifiers: Orphanet 500, MedGen C1969056, MONDO:0012691, OMIM 611554.
Noonan syndrome 5 (NS5). Also called: RAF1-Related Noonan Syndrome. Identifiers: Orphanet 648, MedGen C1969057, MONDO:0012690, OMIM 611553. Disease mechanism: gain of function.

Allele frequency attached by ClinVar (database versions not stated): gnomAD 0.02125 and 0.01968; 1000 Genomes Project 30x 0.02139; ESP Exome Variant Server 0.02191; TOPMed 0.02238; gnomAD exomes 0.00184 and 0.00505; ExAC 0.00616; 1000 Genomes Project 0.01957.
gnomAD v4.1: 5,848 of 1,614,176 alleles (0.36%); highest among the groups gnomAD compares: African/African-American, 6.8%; 181 homozygotes.

Submissions (16):

ClinGen RASopathy Variant Curation Expert Panel
Classification: Benign for Noonan syndrome and Noonan-related syndrome. Last evaluated: 2017-04-18. Review status: reviewed by expert panel. Criteria: ClinGen RASopathy ACMG Specifications v1. Collection method: curation. Allele origin: germline. Inheritance: Autosomal dominant inheritance.
Comment: The filtering allele frequency of the c.1755A>G (p.Val585=) variant in the RAF1 gene is 6.222% (690/10404) of African chromosomes by the Exome Aggregation Consortium, which is a high enough frequency to be classified as benign based on thresholds defined by the ClinGen RASopathy Expert Panel (BA1; PMID:29493581)

Labcorp Genetics (formerly Invitae), Labcorp
Classification: Benign for RASopathy. Last evaluated: 2026-02-03. Review status: criteria provided, single submitter. Criteria: Invitae Variant Classification Sherloc (09022015). Collection method: clinical testing. Allele origin: germline. Not counted in ClinVar's aggregate classification.

ARUP Laboratories, Molecular Genetics and Genomics, ARUP Laboratories
Classification: Benign. Last evaluated: 2025-06-18. Review status: criteria provided, single submitter. Criteria: ARUP Molecular Germline Variant Investigation Process 2024. Collection method: clinical testing. Allele origin: germline. Not counted in ClinVar's aggregate classification.

Molecular Diagnostic Laboratory for Inherited Cardiovascular Disease, Montreal Heart Institute
Classification: Benign. Last evaluated: 2025-04-09. Review status: criteria provided, single submitter. Criteria: ACMG Guidelines, 2015. Collection method: clinical testing. Allele origin: germline. Affected: no. Not counted in ClinVar's aggregate classification.

Blueprint Genetics
Classification: Benign. Last evaluated: 2024-11-26. Review status: criteria provided, single submitter. Criteria: ACMG Guidelines, 2015. Collection method: clinical testing. Allele origin: germline. Not counted in ClinVar's aggregate classification.

Genome Diagnostics Laboratory, The Hospital for Sick Children
Classification: Benign for Noonan syndrome and Noonan-related syndrome. Last evaluated: 2021-06-05. Review status: criteria provided, single submitter. Criteria: ACMG Guidelines, 2015. Collection method: clinical testing. Allele origin: germline. Not counted in ClinVar's aggregate classification.

Illumina Laboratory Services, Illumina
Classification: Likely benign for LEOPARD syndrome 2. Last evaluated: 2017-04-27. Review status: criteria provided, single submitter. Criteria: ICSL Variant Classification Criteria 13 December 2019. Collection method: clinical testing. Allele origin: germline. Not counted in ClinVar's aggregate classification.
Comment: This variant was observed as part of a predisposition screen in an ostensibly healthy population. A literature search was performed for the gene, cDNA change, and amino acid change (where applicable). No publications were found based on this search. Allele frequency data from public databases allowed determination this variant is unlikely to cause disease. Therefore, this variant is classified as likely benign.

Illumina Laboratory Services, Illumina
Classification: Likely benign for Noonan syndrome 5. Last evaluated: 2017-04-27. Review status: criteria provided, single submitter. Criteria: ICSL Variant Classification Criteria 13 December 2019. Collection method: clinical testing. Allele origin: germline. Not counted in ClinVar's aggregate classification.
Comment: the same text as in the submission from Illumina Laboratory Services, Illumina above.

Mayo Clinic Laboratories, Mayo Clinic
Classification: Benign. Last evaluated: 2015-07-07. Review status: criteria provided, single submitter. Criteria: ACMG Guidelines, 2015. Collection method: clinical testing. Allele origin: germline. Observed: 38 variant alleles. Not counted in ClinVar's aggregate classification.

GeneDx
Classification: Benign. Last evaluated: 2015-03-03. Review status: criteria provided, single submitter. Criteria: GeneDx Variant Classification Process June 2021. Collection method: clinical testing. Allele origin: germline. Affected: yes. Not counted in ClinVar's aggregate classification.

Ambry Genetics
Classification: Benign for Cardiovascular phenotype. Last evaluated: 2014-12-08. Review status: criteria provided, single submitter. Criteria: Ambry Variant Classification Scheme 2023. Collection method: clinical testing. Allele origin: germline. Not counted in ClinVar's aggregate classification.

Laboratory for Molecular Medicine, Mass General Brigham Personalized Medicine
Classification: Benign. Last evaluated: 2009-04-01. Review status: criteria provided, single submitter. Criteria: LMM Criteria. Collection method: clinical testing. Allele origin: germline. Observed: 40 variant alleles. Not counted in ClinVar's aggregate classification.

Breakthrough Genomics
Classification: Benign. Review status: criteria provided, single submitter. Criteria: ACMG Guidelines, 2015. Collection method: not provided. Allele origin: germline. Inheritance: Autosomal dominant inheritance. Affected: yes. Not counted in ClinVar's aggregate classification.

PreventionGenetics, part of Exact Sciences
Classification: Benign. Review status: criteria provided, single submitter. Criteria: ACMG Guidelines, 2015. Collection method: clinical testing. Allele origin: germline. Not counted in ClinVar's aggregate classification.

Greenwood Genetic Center Diagnostic Laboratories, Greenwood Genetic Center
Classification: Benign. Last evaluated: 2015-01-15. Review status: no assertion criteria provided. Collection method: clinical testing. Allele origin: germline. Not counted in ClinVar's aggregate classification.

Baylor Genetics
Classification: Benign for Rasopathy. Review status: no assertion criteria provided. Collection method: clinical testing. Allele origin: unknown. Affected: yes. Not counted in ClinVar's aggregate classification.
Comment: Variant classified using ACMG guidelines

NM_002880.4(RAF1):c.1755A>G (p.Val585=)

Gene: RAF1 (Raf-1 proto-oncogene, serine/threonine kinase; minus strand). Cytogenetic location: 3p25.2.
Variant type: single nucleotide variant.
Coding change: c.1755A>G on transcript NM_002880.4 (MANE Select); coding-DNA position 1755, A replaced by G.
Protein change: p.Val585=; no amino-acid change (valine 585 retained).
Molecular consequence: synonymous variant. On other transcripts: non-coding transcript variant (3).
Genome position (GRCh38, 1-based): chr3:12,584,895, T>C on the plus strand (A>G on the coding strand, the complement: RAF1 is on the minus strand). VCF-style: chr3-12584895-T-C. GRCh37 (hg19) VCF-style: chr3-12626394-T-C.
Other names: p.V585V; NM_002880.3(RAF1):c.1755A>G; c.1815A>G, p.Val605= (NM_001354689.3); c.1755A>G, p.Val585= (NM_001354690.3); c.1512A>G, p.Val504= (NM_001354691.3, NM_001354692.3); c.1656A>G, p.Val552= (NM_001354693.3); c.1572A>G, p.Val524= (NM_001354694.3); c.1413A>G, p.Val471= (NM_001354695.3).
Identifiers: ClinVar variation 40626 (VCV000040626.46), dbSNP rs3730296, ClinGen allele CA134709.